The following is an entry in ClinVar:

ClinVar aggregate classification (germline): Benign/Likely benign. Review status: criteria provided, multiple submitters, no conflicts (2 of 4 stars). 12 submissions from 12 submitters: Benign (2); Likely benign (5). 5 of the submissions do not count toward it. Last evaluated 2026-08-01.

Conditions:
Alagille syndrome due to a NOTCH2 point mutation. Also called: Alagille syndrome 2. Identifiers: Orphanet 261629, Orphanet 52, MedGen C1857761, MONDO:0012439, OMIM 610205.
Hajdu-Cheney syndrome (HJCYS). Also called: ACROOSTEOLYSIS WITH OSTEOPOROSIS AND CHANGES IN SKULL AND MANDIBLE; Acroosteolysis dominant type; SERPENTINE FIBULA-POLYCYSTIC KIDNEY SYNDROME. Identifiers: Orphanet 955, MedGen C0917715, MONDO:0007057, OMIM 102500.

Allele frequency attached by ClinVar (database versions not stated): 1000 Genomes Project 0.00100; 1000 Genomes Project 30x 0.00109; ESP Exome Variant Server 0.00169; TOPMed 0.00209.
gnomAD v4.1: 4,753 of 1,614,022 alleles (0.29%); highest among the groups gnomAD compares: Non-Finnish European, 0.35%; 8 homozygotes.

Submissions (12):

CeGaT Center for Human Genetics Tuebingen
Classification: Likely benign. Last evaluated: 2026-08-01. Review status: criteria provided, single submitter. Criteria: CeGaT Center For Human Genetics Tuebingen Variant Classification Criteria Version 2. Collection method: clinical testing. Allele origin: germline. Affected: yes. Observed: 17 variant alleles.
Comment: NOTCH2: BP4

Labcorp Genetics (formerly Invitae), Labcorp
Classification: Likely benign for Hajdu-Cheney syndrome. Last evaluated: 2026-02-02. Review status: criteria provided, single submitter. Criteria: Invitae Variant Classification Sherloc (09022015). Collection method: clinical testing. Allele origin: germline.

Blueprint Genetics
Classification: Likely benign. Last evaluated: 2024-11-22. Review status: criteria provided, single submitter. Criteria: ACMG Guidelines, 2015. Collection method: clinical testing. Allele origin: germline.

Mayo Clinic Laboratories, Mayo Clinic
Classification: Benign. Last evaluated: 2024-01-04. Review status: criteria provided, single submitter. Criteria: ACMG Guidelines, 2015. Collection method: clinical testing. Allele origin: germline. Observed: 2 variant alleles.
Comment: BS1, BS2, BP4

Fulgent Genetics
Classification: Likely benign for Hajdu-Cheney syndrome; Alagille syndrome due to a NOTCH2 point mutation. Last evaluated: 2021-07-08. Review status: criteria provided, single submitter. Criteria: ACMG Guidelines, 2015. Collection method: clinical testing. Allele origin: unknown.

GeneDx
Classification: Benign. Last evaluated: 2020-03-19. Review status: criteria provided, single submitter. Criteria: GeneDx Variant Classification Process June 2021. Collection method: clinical testing. Allele origin: germline. Affected: yes.
Comment: This variant is associated with the following publications: (PMID: 30304577, 28776642)

Eurofins Ntd Llc (ga)
Classification: Likely benign. Last evaluated: 2017-03-13. Review status: criteria provided, single submitter. Criteria: EGL Classification Definitions 2015. Collection method: clinical testing. Allele origin: germline. Observed: 1 variant allele, 1 heterozygote.

ITMI
No classification provided. Condition: AllHighlyPenetrant. Last evaluated: 2013-09-19. Review status: no classification provided. Collection method: reference population. Allele origin: germline. Not counted in ClinVar's aggregate classification.
Comment: Please see associated publication for description of ethnicities

Clinical Genetics DNA and cytogenetics Diagnostics Lab, Erasmus MC, Erasmus Medical Center
Classification: Likely benign. Review status: no assertion criteria provided. Collection method: clinical testing. Allele origin: germline. Affected: yes. Study: VKGL Data-share Consensus. Not counted in ClinVar's aggregate classification.

Diagnostic Laboratory, Department of Genetics, University Medical Center Groningen
Classification: Likely benign. Review status: no assertion criteria provided. Collection method: clinical testing. Allele origin: germline. Affected: yes. Study: VKGL Data-share Consensus. Not counted in ClinVar's aggregate classification.

Genome Diagnostics Laboratory, University Medical Center Utrecht
Classification: Benign. Review status: no assertion criteria provided. Collection method: clinical testing. Allele origin: germline. Affected: yes. Study: VKGL Data-share Consensus. Not counted in ClinVar's aggregate classification.

Laboratory of Diagnostic Genome Analysis, Leiden University Medical Center (LUMC)
Classification: Likely benign. Review status: no assertion criteria provided. Collection method: clinical testing. Allele origin: germline. Affected: yes. Study: VKGL Data-share Consensus. Not counted in ClinVar's aggregate classification.

Literature cited by the submitters: PubMed 24728327 (cited by ITMI).

NM_024408.4(NOTCH2):c.4999G>A (p.Val1667Ile)

Gene: NOTCH2 (notch receptor 2; minus strand). Cytogenetic location: 1p12.
Variant type: single nucleotide variant.
Coding change: c.4999G>A on transcript NM_024408.4 (MANE Select); coding-DNA position 4999, G replaced by A.
Protein change: p.Val1667Ile; replaces valine 1667 with isoleucine.
Molecular consequence: missense variant.
Genome position (GRCh38, 1-based): chr1:119,922,639, C>T on the plus strand (G>A on the coding strand, the complement: NOTCH2 is on the minus strand). VCF-style: chr1-119922639-C-T. GRCh37 (hg19) VCF-style: chr1-120465262-C-T.
Other names: p.Val1667Ile; short protein forms V1667I.
Identifiers: ClinVar variation 134977 (VCV000134977.50), dbSNP rs17024517, ClinGen allele CA161281.
Genomic context (GRCh38, chr1:119,922,639, plus strand): 5'-TCCCCCAATTGACACTCTTCCCCCGCCACCTTTCCCCTTTACACCAGTGCCACTCACTGA[C>T]GACAGACACAAGAGGGTATGACAGGGTCCCCTGTATGGCGTGAGAGGCCAGGAGAGCTGC-3'
Protein context (NP_077719.2, residues 1657-1677): GTLSYPLVSV[Val1667Ile]SESLTPERTQ